The following is an entry in ClinVar:

ClinVar aggregate classification (germline): Uncertain significance (1 of 4 stars; one submission).

Conditions:
Intellectual disability, CASK-related, X-linked. Identifiers: MedGen CN043158.

Submission:

Labcorp Genetics (formerly Invitae), Labcorp
Classification: Uncertain significance for Intellectual disability, CASK-related, X-linked. Last evaluated: 2021-07-03. Review status: criteria provided, single submitter. Criteria: Invitae Variant Classification Sherloc (09022015). Collection method: clinical testing. Allele origin: germline.
Comment: In summary, the available evidence is currently insufficient to determine the role of this variant in disease. Therefore, it has been classified as a Variant of Uncertain Significance. Algorithms developed to predict the effect of missense changes on protein structure and function are either unavailable or do not agree on the potential impact of this missense change (SIFT: "Deleterious"; PolyPhen-2: "Benign"; Align-GVGD: "Class C65"). This variant has not been reported in the literature in individuals affected with CASK-related conditions. This variant is not present in population databases (ExAC no frequency). This sequence change replaces histidine with tyrosine at codon 372 of the CASK protein (p.His372Tyr). The histidine residue is highly conserved and there is a moderate physicochemical difference between histidine and tyrosine.

NM_001367721.1(CASK):c.1114C>T (p.His372Tyr)

Gene: CASK (calcium/calmodulin dependent serine protein kinase; minus strand). Cytogenetic location: Xp11.4.
Variant type: single nucleotide variant.
Coding change: c.1114C>T on transcript NM_001367721.1 (MANE Select); coding-DNA position 1114, C replaced by T.
Protein change: p.His372Tyr; replaces histidine 372 with tyrosine.
Molecular consequence: missense variant.
Genome position (GRCh38, 1-based): chrX:41,609,945, G>A on the plus strand (C>T on the coding strand, the complement: CASK is on the minus strand). VCF-style: chrX-41609945-G-A. GRCh37 (hg19) VCF-style: chrX-41469198-G-A.
Other names: c.1114C>T, p.His372Tyr (NM_001126054.3, NM_003688.4); c.1096C>T, p.His366Tyr (NM_001126055.3, NM_001410745.1); short protein forms H372Y, H366Y.
Identifiers: ClinVar variation 1365495 (VCV001365495.8), dbSNP rs2147279206, ClinGen allele CA412999621.